The following is an entry in ClinVar:

NM_001199397.3(NEK1):c.2989G>T (p.Asp997Tyr)

Gene: NEK1 (NIMA related kinase 1; minus strand). Cytogenetic location: 4q33.
Variant type: single nucleotide variant.
Coding change: c.2989G>T on transcript NM_001199397.3 (MANE Select); coding-DNA position 2989, G replaced by T.
Protein change: p.Asp997Tyr; replaces aspartic acid 997 with tyrosine.
Molecular consequence: missense variant. On other transcripts: non-coding transcript variant (1).
Genome position (GRCh38, 1-based): chr4:169,424,786, C>A on the plus strand (G>T on the coding strand, the complement: NEK1 is on the minus strand). VCF-style: chr4-169424786-C-A. GRCh37 (hg19) VCF-style: chr4-170345937-C-A.
Other names: c.2857G>T, p.Asp953Tyr (NM_001199398.3); c.2698G>T, p.Asp900Tyr (NM_001199399.3); c.2773G>T, p.Asp925Tyr (NM_001199400.3); c.2989G>T, p.Asp997Tyr (NM_001374418.1); c.2905G>T, p.Asp969Tyr (NM_001374419.1, NM_012224.4); c.2854G>T, p.Asp952Tyr (NM_001374420.1); c.2506G>T, p.Asp836Tyr (NM_001374421.1); short protein forms D925Y, D952Y, D953Y, D997Y, D836Y, D900Y, D969Y.
Identifiers: ClinVar variation 2256586 (VCV002256586.4), dbSNP rs755980153, ClinGen allele CA3137260.

ClinVar aggregate classification (germline): Uncertain significance. Review status: criteria provided, multiple submitters, no conflicts (2 of 4 stars). 2 submissions from 2 submitters: Uncertain significance (2). Last evaluated 2024-12-16.

Conditions:
NEK1-related disorder. Also called: NEK1-related condition.
Inborn genetic diseases. Identifiers: MedGen C0950123, MeSH D030342.

Allele frequency attached by ClinVar (database versions not stated): gnomAD exomes below 0.00001; TOPMed below 0.00001; ExAC 0.00001.
gnomAD v4.1: 2 of 1,607,596 alleles (0.00012%); highest among the groups gnomAD compares: Non-Finnish European, 0.00017%; no homozygotes.

Submissions (2):

PreventionGenetics, part of Exact Sciences
Classification: Uncertain significance for NEK1-related condition. Last evaluated: 2024-12-16. Review status: criteria provided, single submitter. Criteria: ACMG Guidelines, 2015. Collection method: clinical testing. Allele origin: germline.
Comment: The NEK1 c.2905G>T variant is predicted to result in the amino acid substitution p.Asp969Tyr. To our knowledge, this variant has not been reported in the literature. This variant is reported in 0.0018% of alleles in individuals of European (non-Finnish) descent in gnomAD. At this time, the clinical significance of this variant is uncertain due to the absence of conclusive functional and genetic evidence.

Ambry Genetics
Classification: Uncertain significance for Inborn genetic diseases. Last evaluated: 2021-10-22. Review status: criteria provided, single submitter. Criteria: Ambry Variant Classification Scheme 2023. Collection method: clinical testing. Allele origin: germline.